The following is an entry in ClinVar:

ClinVar aggregate classification (germline): Pathogenic (1 of 4 stars; one submission).

Conditions:
Ataxia-telangiectasia syndrome (AT). Also called: LOUIS-BAR SYNDROME; Cerebello-oculocutaneous telangiectasia; Immunodeficiency with ataxia telangiectasia; AT, COMPLEMENTATION GROUP C; Ataxia-telangiectasia, complementation group D; ATAXIA-TELANGIECTASIA, COMPLEMENTATION GROUP A. Identifiers: Orphanet 100, MedGen C0004135, MONDO:0008840, OMIM 208900.

Submission:

Labcorp Genetics (formerly Invitae), Labcorp
Classification: Pathogenic for Ataxia-telangiectasia syndrome. Last evaluated: 2023-11-13. Review status: criteria provided, single submitter. Criteria: Invitae Variant Classification Sherloc (09022015). Collection method: clinical testing. Allele origin: unknown.
Comment: This variant is a gross deletion of the genomic region encompassing exon(s) 2-5 of the ATM gene, which includes the initiator codon. This deletion extends beyond the assayed region for this gene and therefore may encompass additional genes. It is expected to result in an absent or disrupted protein product. Loss-of-function variants in ATM are known to be pathogenic (PMID: 23807571, 25614872). This variant has not been reported in the literature in individuals affected with ATM-related conditions. For these reasons, this variant has been classified as Pathogenic.

Literature cited by the submitters: PubMed 23807571; PubMed 25614872.

NC_000011.9:g.(?_108098352)_(108106571_?)del

Gene: ATM (ATM serine/threonine kinase; plus strand). Cytogenetic location: 11q22.3.
Variant type: Deletion.
Identifiers: ClinVar variation 3244469 (VCV003244469.1).